The following is an entry in ClinVar:

ClinVar aggregate classification (germline): Uncertain significance. Review status: criteria provided, multiple submitters, no conflicts (2 of 4 stars). 2 submissions from 2 submitters: Uncertain significance (2). Last evaluated 2024-01-16.

Allele frequency attached by ClinVar (database versions not stated): gnomAD 0.00003; TOPMed 0.00006; ExAC 0.00007.
gnomAD v4.1: 62 of 1,614,086 alleles (0.0038%); highest among the groups gnomAD compares: East Asian, 0.036%; no homozygotes.

Submissions (2):

Ambry Genetics
Classification: Uncertain significance. Last evaluated: 2024-01-16. Review status: criteria provided, single submitter. Criteria: Ambry Variant Classification Scheme 2023. Collection method: clinical testing. Allele origin: germline.

Labcorp Genetics (formerly Invitae), Labcorp
Classification: Uncertain significance. Last evaluated: 2022-11-15. Review status: criteria provided, single submitter. Criteria: Invitae Variant Classification Sherloc (09022015). Collection method: clinical testing. Allele origin: germline.
Comment: In summary, the available evidence is currently insufficient to determine the role of this variant in disease. Therefore, it has been classified as a Variant of Uncertain Significance. Algorithms developed to predict the effect of missense changes on protein structure and function are either unavailable or do not agree on the potential impact of this missense change (SIFT: "Deleterious"; PolyPhen-2: "Benign"; Align-GVGD: "Class C0"). This variant has not been reported in the literature in individuals affected with FUK-related conditions. This variant is present in population databases (rs759721515, gnomAD 0.07%), and has an allele count higher than expected for a pathogenic variant. This sequence change replaces arginine, which is basic and polar, with histidine, which is basic and polar, at codon 899 of the FUK protein (p.Arg899His).

NM_145059.3(FCSK):c.2696G>A (p.Arg899His)

Gene: FCSK (fucose kinase; plus strand). Cytogenetic location: 16q22.1.
Variant type: single nucleotide variant.
Coding change: c.2696G>A on transcript NM_145059.3 (MANE Select); coding-DNA position 2696, G replaced by A.
Protein change: p.Arg899His; replaces arginine 899 with histidine.
Molecular consequence: missense variant.
Genome position (GRCh38, 1-based): chr16:70,478,326, G>A. VCF-style: chr16-70478326-G-A. GRCh37 (hg19) VCF-style: chr16-70512229-G-A.
Other names: c.2696G>A (NM_145059.2); short protein forms R899H.
Identifiers: ClinVar variation 1922997 (VCV001922997.6), dbSNP rs759721515, ClinGen allele CA8143708.